The following is an entry in ClinVar:

ClinVar aggregate classification (germline): Uncertain significance (1 of 4 stars; one submission).

Conditions:
Cardiovascular phenotype. Identifiers: MedGen CN230736.

Submission:

Ambry Genetics
Classification: Uncertain significance for Cardiovascular phenotype. Last evaluated: 2024-04-19. Review status: criteria provided, single submitter. Criteria: Ambry Variant Classification Scheme 2023. Collection method: clinical testing. Allele origin: germline.
Comment: The p.G480V variant (also known as c.1439G>T), located in coding exon 8 of the TBX5 gene, results from a G to T substitution at nucleotide position 1439. The glycine at codon 480 is replaced by valine, an amino acid with dissimilar properties. This amino acid position is conserved. In addition, this alteration is predicted to be tolerated by in silico analysis. Based on the available evidence, the clinical significance of this variant remains unclear.

NM_181486.4(TBX5):c.1439G>T (p.Gly480Val)

Gene: TBX5 (T-box transcription factor 5; minus strand). Cytogenetic location: 12q24.21.
Variant type: single nucleotide variant.
Coding change: c.1439G>T on transcript NM_181486.4 (MANE Select); coding-DNA position 1439, G replaced by T.
Protein change: p.Gly480Val; replaces glycine 480 with valine.
Molecular consequence: missense variant.
Genome position (GRCh38, 1-based): chr12:114,355,650, C>A on the plus strand (G>T on the coding strand, the complement: TBX5 is on the minus strand). VCF-style: chr12-114355650-C-A. GRCh37 (hg19) VCF-style: chr12-114793455-C-A.
Other names: c.1439G>T, p.Gly480Val (NM_000192.3); c.1289G>T, p.Gly430Val (NM_080717.4); short protein forms G430V, G480V.
Identifiers: ClinVar variation 3324881 (VCV003324881.1).